The following is an entry in ClinVar:

NM_001009944.3(PKD1):c.11452G>C (p.Gly3818Arg)

Genes: PKD1 (polycystin 1, transient receptor potential channel interacting; minus strand), PKD1-AS1 (PKD1 antisense RNA 1; plus strand). Cytogenetic location: 16p13.3.
Variant type: single nucleotide variant.
Coding change: c.11452G>C on transcript NM_001009944.3 (MANE Select); coding-DNA position 11452, G replaced by C.
Protein change: p.Gly3818Arg; replaces glycine 3818 with arginine.
Molecular consequence: missense variant.
Genome position (GRCh38, 1-based): chr16:2,091,866, C>G on the plus strand (G>C on the coding strand, the complement: PKD1 is on the minus strand). VCF-style: chr16-2091866-C-G. GRCh37 (hg19) VCF-style: chr16-2141867-C-G.
Other names: c.11449G>C, p.Gly3817Arg (NM_000296.4); short protein forms G3817R, G3818R.
Identifiers: ClinVar variation 3382239 (VCV003382239.3).

ClinVar aggregate classification (germline): Conflicting classifications of pathogenicity. Review status: criteria provided, conflicting classifications (1 of 4 stars). 2 submissions from 2 submitters: Likely pathogenic (1); Uncertain significance (1). Last evaluated 2025-03-14.

Conditions:
Polycystic kidney disease, adult type (PKD1). Also called: POLYCYSTIC KIDNEY DISEASE, ADULT, TYPE I; Polycystic Kidney Disease 1, Autosomal Dominant; Polycystic kidney disease 1; Polycystic kidney disease 1, severe; Polycystic Kidney, Autosomal Dominant; POLYCYSTIC KIDNEY DISEASE 1 WITH OR WITHOUT POLYCYSTIC LIVER DISEASE. Identifiers: MedGen C3149841, MONDO:0008263, OMIM 173900.

Submissions (2):

Women's Health and Genetics/Laboratory Corporation of America, LabCorp
Classification: Likely pathogenic for Polycystic kidney disease, adult type. Last evaluated: 2025-03-14. Review status: criteria provided, single submitter. Criteria: LabCorp Variant Classification Summary - May 2015. Collection method: clinical testing. Allele origin: germline.
Comment: Variant summary: PKD1 c.11452G>C (p.Gly3818Arg) results in a non-conservative amino acid change located in the Polycystin domain (IPR046791) of the encoded protein sequence. Five of five in-silico tools predict a damaging effect of the variant on protein function. The variant was absent in 239018 control chromosomes (gnomAD). c.11452G>C has been reported in the literature in heterozygous state in multiple individuals from the same family, who were all affected with Polycystic Kidney Disease 1 (Ameku_2016, Kuraoka_2020). These data indicate that the variant is likely to be associated with disease. Publications also reported experimental evidence evaluating an impact on protein function, and demonstrated that ureteric bud organoids (generated from patient derived induced pluripotent stem cells (iPSCs)) exhibit cystogenesis and vascular cells differentiated from iPSCs also showed altered Calcium entry and gene expression profiles compared with control iPSCs (Ameku_2016, Kuraoka_2020). The following publications have been ascertained in the context of this evaluation (PMID: 27418197, 32747355). ClinVar contains an entry for this variant (Variation ID: 3382239). Based on the evidence outlined above, the variant was classified as likely pathogenic.

Juno Genomics, Hangzhou Juno Genomics, Inc
Classification: Uncertain significance for Polycystic kidney disease, adult type. Review status: criteria provided, single submitter. Criteria: ACMG Guidelines, 2015. Collection method: clinical testing. Allele origin: germline. Affected: yes.
Comment: Absent from controls (or at extremely low frequency if recessive) in Genome Aggregation Database, Exome Sequencing Project, 1000 Genomes Project, or Exome Aggregation Consortium.;Multiple lines of computational evidence support a deleterious effect on the gene or gene product (conservation, evolutionary, splicing impact, etc).;The prevalence of the variant in affected individuals is significantly increased compared to the prevalence in controls.;Patient's phenotype or family history is highly specific for a disease with a single genetic etiology.

Literature cited by the submitters: PubMed 27418197 (cited by Women's Health and Genetics/Laboratory Corporation of America, LabCorp); PubMed 32747355 (cited by Women's Health and Genetics/Laboratory Corporation of America, LabCorp).